The following is an entry in ClinVar:

ClinVar aggregate classification (germline): Uncertain significance. Review status: criteria provided, multiple submitters, no conflicts (2 of 4 stars). 2 submissions from 2 submitters: Uncertain significance (2). Last evaluated 2025-08-07.

Conditions:
Hyper-IgE recurrent infection syndrome 3, autosomal recessive. Also called: HYPER-IgE SYNDROME 3, AUTOSOMAL RECESSIVE, WITH RECURRENT INFECTIONS; Autosomal recessive hyper-IgE syndrome due to ZNF341 deficiency. Identifiers: Orphanet 641368, MedGen C4748969, MONDO:0032654, OMIM 618282.

Allele frequency attached by ClinVar (database versions not stated): TOPMed 0.00001; gnomAD exomes below 0.00001.
gnomAD v4.1: 9 of 1,613,606 alleles (0.00056%); highest among the groups gnomAD compares: Admixed American, 0.0083%; no homozygotes.

Submissions (2):

Dasa
Classification: Uncertain significance. Last evaluated: 2025-08-07. Review status: criteria provided, single submitter. Criteria: DASA Assertion Criteria. Collection method: clinical testing. Allele origin: germline.
Comment: NM_203447.4(DOCK8):c.6183C>G (p.Ile2061Met) is a missense variant that results in the substitution of isoleucine with methionine. This variant is rare in population databases. Computational prediction algorithms are consistent with a benign effect. The currently available literature and clinical evidence are not sufficient to establish a definitive association between this variant and the reported condition. Therefore, this variant is classified as a variant of uncertain significance.

Labcorp Genetics (formerly Invitae), Labcorp
Classification: Uncertain significance for Combined immunodeficiency due to DOCK8 deficiency. Last evaluated: 2023-11-28. Review status: criteria provided, single submitter. Criteria: Invitae Variant Classification Sherloc (09022015). Collection method: clinical testing. Allele origin: germline.
Comment: This sequence change replaces isoleucine, which is neutral and non-polar, with methionine, which is neutral and non-polar, at codon 2061 of the DOCK8 protein (p.Ile2061Met). This variant is not present in population databases (gnomAD no frequency). This variant has not been reported in the literature in individuals affected with DOCK8-related conditions. ClinVar contains an entry for this variant (Variation ID: 935612). Advanced modeling of protein sequence and biophysical properties (such as structural, functional, and spatial information, amino acid conservation, physicochemical variation, residue mobility, and thermodynamic stability) performed at Invitae indicates that this missense variant is not expected to disrupt DOCK8 protein function with a negative predictive value of 80%. In summary, the available evidence is currently insufficient to determine the role of this variant in disease. Therefore, it has been classified as a Variant of Uncertain Significance.

NM_203447.4(DOCK8):c.6183C>G (p.Ile2061Met)

Gene: DOCK8 (dedicator of cytokinesis 8; plus strand). Cytogenetic location: 9p24.3.
Variant type: single nucleotide variant.
Coding change: c.6183C>G on transcript NM_203447.4 (MANE Select); coding-DNA position 6183, C replaced by G.
Protein change: p.Ile2061Met; replaces isoleucine 2061 with methionine.
Molecular consequence: missense variant.
Genome position (GRCh38, 1-based): chr9:463,631, C>G. VCF-style: chr9-463631-C-G. GRCh37 (hg19) VCF-style: chr9-463631-C-G.
Other names: c.5883C>G, p.Ile1961Met (NM_001190458.2); c.5979C>G, p.Ile1993Met (NM_001193536.2); short protein forms I2061M, I1993M, I1961M.
Identifiers: ClinVar variation 935612 (VCV000935612.8), dbSNP rs942422839, ClinGen allele CA372751786.